The following is an entry in ClinVar:

ClinVar aggregate classification (germline): Uncertain significance (1 of 4 stars; one submission).

Conditions:
Seizures, benign familial infantile, 3 (BFIS3). Also called: CONVULSIONS, BENIGN FAMILIAL INFANTILE, 3; Familial neonatal seizures. Identifiers: Orphanet 140927, Orphanet 306, MedGen C1843140, MONDO:0011904, OMIM 607745.
Developmental and epileptic encephalopathy, 11 (DEE11). Also called: Early infantile epileptic encephalopathy 11. Identifiers: Orphanet 1934, MedGen C3150987, MONDO:0013388, OMIM 613721.

gnomAD v4.1: 1 of 1,613,930 alleles (0.000062%); no homozygotes.

Submission:

Labcorp Genetics (formerly Invitae), Labcorp
Classification: Uncertain significance for Seizures, benign familial infantile, 3; Developmental and epileptic encephalopathy, 11. Last evaluated: 2024-12-15. Review status: criteria provided, single submitter. Criteria: Invitae Variant Classification Sherloc (09022015). Collection method: clinical testing. Allele origin: germline.
Comment: This sequence change replaces valine, which is neutral and non-polar, with phenylalanine, which is neutral and non-polar, at codon 1891 of the SCN2A protein (p.Val1891Phe). This variant is present in population databases (no rsID available, gnomAD 0.004%). This variant has not been reported in the literature in individuals affected with SCN2A-related conditions. Invitae Evidence Modeling of protein sequence and biophysical properties (such as structural, functional, and spatial information, amino acid conservation, physicochemical variation, residue mobility, and thermodynamic stability) indicates that this missense variant is expected to disrupt SCN2A protein function with a positive predictive value of 95%. In summary, the available evidence is currently insufficient to determine the role of this variant in disease. Therefore, it has been classified as a Variant of Uncertain Significance.

NM_001040142.2(SCN2A):c.5671G>T (p.Val1891Phe)

Gene: SCN2A (sodium voltage-gated channel alpha subunit 2; plus strand). Cytogenetic location: 2q24.3.
Variant type: single nucleotide variant.
Coding change: c.5671G>T on transcript NM_001040142.2 (MANE Select); coding-DNA position 5671, G replaced by T.
Protein change: p.Val1891Phe; replaces valine 1891 with phenylalanine.
Molecular consequence: missense variant.
Genome position (GRCh38, 1-based): chr2:165,389,477, G>T. VCF-style: chr2-165389477-G-T. GRCh37 (hg19) VCF-style: chr2-166245987-G-T.
Other names: c.5671G>T, p.Val1891Phe (NM_001040143.2, NM_001371246.1, NM_001371247.1 and 1 more transcripts); short protein forms V1891F.
Identifiers: ClinVar variation 3750095 (VCV003750095.2).